The following is an entry in ClinVar:

ClinVar aggregate classification (germline): Uncertain significance. Review status: criteria provided, multiple submitters, no conflicts (2 of 4 stars). 3 submissions from 3 submitters: Uncertain significance (2). 1 of the submissions does not count toward it. Last evaluated 2024-06-17.

Conditions:
IFT172-related disorder. Also called: IFT172-related condition; IFT172-related disorders.
Retinitis pigmentosa 71 (RP71). Identifiers: Orphanet 791, MedGen C4225342, MONDO:0014618, OMIM 616394.
Short-rib thoracic dysplasia 10 with or without polydactyly (SRTD10). Identifiers: Orphanet 474, MedGen C3810175, MONDO:0014284, OMIM 615630.

Allele frequency attached by ClinVar (database versions not stated): TOPMed below 0.00001; ExAC 0.00001; gnomAD 0.00001; gnomAD exomes 0.00001.
gnomAD v4.1: 18 of 1,613,908 alleles (0.0011%); highest among the groups gnomAD compares: African/African-American, 0.0027%; no homozygotes.

Submissions (3):

Blueprint Genetics
Classification: Uncertain significance. Last evaluated: 2024-06-17. Review status: criteria provided, single submitter. Criteria: ACMG Guidelines, 2015. Collection method: clinical testing. Allele origin: germline.

Labcorp Genetics (formerly Invitae), Labcorp
Classification: Uncertain significance for Retinitis pigmentosa 71; Short-rib thoracic dysplasia 10 with or without polydactyly. Last evaluated: 2022-03-10. Review status: criteria provided, single submitter. Criteria: Invitae Variant Classification Sherloc (09022015). Collection method: clinical testing. Allele origin: germline.
Comment: In summary, the available evidence is currently insufficient to determine the role of this variant in disease. Therefore, it has been classified as a Variant of Uncertain Significance. Algorithms developed to predict the effect of missense changes on protein structure and function are either unavailable or do not agree on the potential impact of this missense change (SIFT: "Deleterious"; PolyPhen-2: "Probably Damaging"; Align-GVGD: "Class C0"). ClinVar contains an entry for this variant (Variation ID: 969784). This variant has not been reported in the literature in individuals affected with IFT172-related conditions. This variant is present in population databases (rs758357901, gnomAD 0.007%). This sequence change replaces glycine, which is neutral and non-polar, with aspartic acid, which is acidic and polar, at codon 565 of the IFT172 protein (p.Gly565Asp).

PreventionGenetics, part of Exact Sciences
Classification: Uncertain significance for IFT172-related condition. Last evaluated: 2024-05-27. Review status: no assertion criteria provided. Collection method: clinical testing. Allele origin: germline. Not counted in ClinVar's aggregate classification.
Comment: The IFT172 c.1694G>A variant is predicted to result in the amino acid substitution p.Gly565Asp. To our knowledge, this variant has not been reported in the literature. This variant is reported in 0.0062% of alleles in individuals of African descent in gnomAD. At this time, the clinical significance of this variant is uncertain due to the absence of conclusive functional and genetic evidence.

NM_015662.3(IFT172):c.1694G>A (p.Gly565Asp)

Gene: IFT172 (intraflagellar transport 172; minus strand). Cytogenetic location: 2p23.3.
Variant type: single nucleotide variant.
Coding change: c.1694G>A on transcript NM_015662.3 (MANE Select); coding-DNA position 1694, G replaced by A.
Protein change: p.Gly565Asp; replaces glycine 565 with aspartic acid.
Molecular consequence: missense variant.
Genome position (GRCh38, 1-based): chr2:27,465,881, C>T on the plus strand (G>A on the coding strand, the complement: IFT172 is on the minus strand). VCF-style: chr2-27465881-C-T. GRCh37 (hg19) VCF-style: chr2-27688748-C-T.
Other names: short protein forms G565D.
Identifiers: ClinVar variation 969784 (VCV000969784.10), dbSNP rs758357901, ClinGen allele CA1580552.